The following is an entry in ClinVar:

ClinVar aggregate classification (germline): Uncertain significance. Review status: criteria provided, multiple submitters, no conflicts (2 of 4 stars). 4 submissions from 4 submitters: Uncertain significance (4). Last evaluated 2024-03-28.

Conditions:
Hereditary breast ovarian cancer syndrome. Also called: Hereditary breast and ovarian cancer; Hereditary breast and/or ovarian cancer syndrome; Hereditary breast and ovarian cancer syndrome; Hereditary breast and ovarian cancer syndrome (HBOC); Breast and ovarian cancer; BRCA1- and BRCA2-Associated Hereditary Breast and Ovarian Cancer. Identifiers: Orphanet 145, MedGen C0677776, MeSH D061325, MONDO:0003582. Disease mechanism: loss of function.
Hereditary cancer-predisposing syndrome. Also called: Hereditary neoplastic syndrome; Tumor predisposition; Neoplastic Syndromes, Hereditary; Hereditary Cancer Syndrome. Identifiers: Orphanet 140162, MedGen C0027672, MeSH D009386, MONDO:0015356.

Submissions (4):

Ambry Genetics
Classification: Uncertain significance for Hereditary cancer-predisposing syndrome. Last evaluated: 2024-03-28. Review status: criteria provided, single submitter. Criteria: Ambry Variant Classification Scheme 2023. Collection method: clinical testing. Allele origin: germline.
Comment: The p.Y2511C variant (also known as c.7532A>G), located in coding exon 14 of the BRCA2 gene, results from an A to G substitution at nucleotide position 7532. The tyrosine at codon 2511 is replaced by cysteine, an amino acid with highly dissimilar properties. This amino acid position is highly conserved in available vertebrate species. In addition, the in silico prediction for this alteration is inconclusive. Based on the available evidence, the clinical significance of this alteration remains unclear.

Labcorp Genetics (formerly Invitae), Labcorp
Classification: Uncertain significance for Hereditary breast ovarian cancer syndrome. Last evaluated: 2022-07-04. Review status: criteria provided, single submitter. Criteria: Invitae Variant Classification Sherloc (09022015). Collection method: clinical testing. Allele origin: germline.
Comment: In summary, the available evidence is currently insufficient to determine the role of this variant in disease. Therefore, it has been classified as a Variant of Uncertain Significance. This sequence change replaces tyrosine, which is neutral and polar, with cysteine, which is neutral and slightly polar, at codon 2511 of the BRCA2 protein (p.Tyr2511Cys). This variant is not present in population databases (gnomAD no frequency). This variant has not been reported in the literature in individuals affected with BRCA2-related conditions. ClinVar contains an entry for this variant (Variation ID: 419423). Advanced modeling of protein sequence and biophysical properties (such as structural, functional, and spatial information, amino acid conservation, physicochemical variation, residue mobility, and thermodynamic stability) performed at Invitae indicates that this missense variant is not expected to disrupt BRCA2 protein function.

Quest Diagnostics Nichols Institute San Juan Capistrano
Classification: Uncertain significance. Last evaluated: 2022-05-26. Review status: criteria provided, single submitter. Criteria: Quest Diagnostics criteria. Collection method: clinical testing. Allele origin: unknown.

GeneDx
Classification: Uncertain significance. Last evaluated: 2015-07-15. Review status: criteria provided, single submitter. Criteria: GeneDx Variant Classification (06012015). Collection method: clinical testing. Allele origin: germline. Affected: yes.
Comment: This variant is denoted BRCA2 c.7532A>G at the cDNA level, p.Tyr2511Cys (Y2511C) at the protein level, and results in the change of a Tyrosine to a Cysteine (TAT>TGT). Using alternate nomenclature, this variant would be defined as BRCA2 7760A>G. This variant has not, to our knowledge, been published in the literature as pathogenic or benign. BRCA2 Tyr2511Cys was not observed in approximately 6,500 individuals of European and African American ancestry in the NHLBI Exome Sequencing Project, indicating it is not a common benign variant in these populations. Since Tyrosine and Cysteine differ in polarity, charge, size or other properties, this is considered a non-conservative amino acid substitution. BRCA2 Tyr2511Cys occurs at a position that is conserved in mammals and is located in the DNA-binding domain (Borg 2010). In silico analyses predict that this variant is probably damaging to protein structure and function. Based on currently available information, it is unclear whether BRCA2 Tyr2511Cys is pathogenic or benign. We consider it to be a variant of uncertain significance.

NM_000059.4(BRCA2):c.7532A>G (p.Tyr2511Cys)

Gene: BRCA2 (BRCA2 DNA repair associated; plus strand). Cytogenetic location: 13q13.1.
Variant type: single nucleotide variant.
Coding change: c.7532A>G on transcript NM_000059.4 (MANE Select); coding-DNA position 7532, A replaced by G.
Protein change: p.Tyr2511Cys; replaces tyrosine 2511 with cysteine.
Molecular consequence: missense variant.
Genome position (GRCh38, 1-based): chr13:32,356,524, A>G. VCF-style: chr13-32356524-A-G. GRCh37 (hg19) VCF-style: chr13-32930661-A-G.
Other names: short protein forms Y2511C.
Identifiers: ClinVar variation 419423 (VCV000419423.12), dbSNP rs1064793861, ClinGen allele CA16619764.